The following is an entry in ClinVar:

ClinVar aggregate classification (germline): Uncertain significance (1 of 4 stars; one submission).

Conditions:
Primary ciliary dyskinesia. Also called: Ciliary dyskinesia. Identifiers: Orphanet 244, MedGen C0008780, MONDO:0016575, HP:0012265.

Allele frequency attached by ClinVar (database versions not stated): gnomAD exomes below 0.00001; gnomAD 0.00001.

Submission:

Ambry Genetics
Classification: Uncertain significance for Primary ciliary dyskinesia. Last evaluated: 2022-06-12. Review status: criteria provided, single submitter. Criteria: Ambry Variant Classification Scheme 2023. Collection method: clinical testing. Allele origin: germline.
Comment: The p.Q462E variant (also known as c.1384C>G), located in coding exon 8 of the DNAAF1 gene, results from a C to G substitution at nucleotide position 1384. The glutamine at codon 462 is replaced by glutamic acid, an amino acid with highly similar properties. This amino acid position is conserved. In addition, this alteration is predicted to be tolerated by in silico analysis. Since supporting evidence is limited at this time, the clinical significance of this alteration remains unclear.

NM_178452.6(DNAAF1):c.1384C>G (p.Gln462Glu)

Gene: DNAAF1 (dynein axonemal assembly factor 1; plus strand). Cytogenetic location: 16q24.1.
Variant type: single nucleotide variant.
Coding change: c.1384C>G on transcript NM_178452.6 (MANE Select); coding-DNA position 1384, C replaced by G.
Protein change: p.Gln462Glu; replaces glutamine 462 with glutamic acid.
Molecular consequence: missense variant.
Genome position (GRCh38, 1-based): chr16:84,170,212, C>G. VCF-style: chr16-84170212-C-G. GRCh37 (hg19) VCF-style: chr16-84203818-C-G.
Other names: c.676C>G, p.Gln226Glu (NM_001318756.1); short protein forms Q462E, Q226E.
Identifiers: ClinVar variation 1771353 (VCV001771353.2), dbSNP rs930798464, ClinGen allele CA285523812.